The following is an entry in ClinVar:

ClinVar aggregate classification (germline): Likely pathogenic (1 of 4 stars; one submission).

Submission:

Labcorp Genetics (formerly Invitae), Labcorp
Classification: Likely pathogenic. Last evaluated: 2022-12-17. Review status: criteria provided, single submitter. Criteria: Invitae Variant Classification Sherloc (09022015). Collection method: clinical testing. Allele origin: germline.
Comment: In summary, the currently available evidence indicates that the variant is pathogenic, but additional data are needed to prove that conclusively. Therefore, this variant has been classified as Likely Pathogenic. Algorithms developed to predict the effect of sequence changes on RNA splicing suggest that this variant may disrupt the consensus splice site. This variant has not been reported in the literature in individuals affected with XPC-related conditions. This variant is not present in population databases (gnomAD no frequency). This sequence change affects a donor splice site in intron 14 of the XPC gene. It is expected to disrupt RNA splicing. Variants that disrupt the donor or acceptor splice site typically lead to a loss of protein function (PMID: 16199547), and loss-of-function variants in XPC are known to be pathogenic (PMID: 23173980, 25256075).

Literature cited by the submitters: PubMed 16199547; PubMed 23173980; PubMed 25256075.

NM_004628.5(XPC):c.2514+2T>C

Gene: XPC (XPC complex subunit, DNA damage recognition and repair factor; minus strand). Cytogenetic location: 3p25.1.
Variant type: single nucleotide variant.
Coding change: c.2514+2T>C on transcript NM_004628.5 (MANE Select); the canonical splice donor site of the intron after coding-DNA position 2514, T replaced by C.
Molecular consequence: splice donor variant.
Genome position (GRCh38, 1-based): chr3:14,147,906, A>G on the plus strand (T>C on the coding strand, the complement: XPC is on the minus strand). VCF-style: chr3-14147906-A-G. GRCh37 (hg19) VCF-style: chr3-14189406-A-G.
Other names: c.2496+2T>C (NM_001354729.2); c.1935+2T>C (NM_001354726.2); c.2268+2T>C (NM_001354730.2); c.2508+2T>C (NM_001354727.2).
Identifiers: ClinVar variation 2821849 (VCV002821849.3), dbSNP rs2470222374, ClinGen allele CA351537412.
Genomic context (GRCh38, chr3:14,147,906, plus strand): 5'-AGGCCACCCGCTGAGTGTTGCTTCCCGCTTCTGCTGTCCCTCAGTCCTGCATATGCGCTT[A>G]CCTCCTTCTCCTTCCTTTCAATGACTGCCTGCTCATTTTCCCAGGCAGTCAGGAGCACGT-3'